The following is an entry in ClinVar:

ClinVar aggregate classification (germline): Uncertain significance (1 of 4 stars; one submission).

Allele frequency attached by ClinVar (database versions not stated): ExAC 0.00002.

Submission:

Labcorp Genetics (formerly Invitae), Labcorp
Classification: Uncertain significance. Last evaluated: 2022-03-01. Review status: criteria provided, single submitter. Criteria: Invitae Variant Classification Sherloc (09022015). Collection method: clinical testing. Allele origin: germline.
Comment: In summary, the available evidence is currently insufficient to determine the role of this variant in disease. Therefore, it has been classified as a Variant of Uncertain Significance. Advanced modeling of protein sequence and biophysical properties (such as structural, functional, and spatial information, amino acid conservation, physicochemical variation, residue mobility, and thermodynamic stability) performed at Invitae indicates that this missense variant is not expected to disrupt AARS2 protein function. This variant has not been reported in the literature in individuals affected with AARS2-related conditions. The frequency data for this variant in the population databases is considered unreliable, as metrics indicate poor data quality at this position in the gnomAD database. This sequence change replaces proline, which is neutral and non-polar, with serine, which is neutral and polar, at codon 29 of the AARS2 protein (p.Pro29Ser).

NM_020745.4(AARS2):c.85C>T (p.Pro29Ser)

Gene: AARS2 (alanyl-tRNA synthetase 2, mitochondrial; minus strand). Cytogenetic location: 6p21.1.
Variant type: single nucleotide variant.
Coding change: c.85C>T on transcript NM_020745.4 (MANE Select); coding-DNA position 85, C replaced by T.
Protein change: p.Pro29Ser; replaces proline 29 with serine.
Molecular consequence: missense variant.
Genome position (GRCh38, 1-based): chr6:44,313,239, G>A on the plus strand (C>T on the coding strand, the complement: AARS2 is on the minus strand). VCF-style: chr6-44313239-G-A. GRCh37 (hg19) VCF-style: chr6-44280976-G-A.
Other names: short protein forms P29S.
Identifiers: ClinVar variation 1967209 (VCV001967209.5), dbSNP rs750271576, ClinGen allele CA3834744.
Genomic context (GRCh38, chr6:44,313,239, plus strand): 5'-AGTTCAGAAAGGCGGCCCTCACGGCCGAGGCCTTGGCTGCAGGGGGCTCCGATGAGAGCG[G>A]CCGATGGCTGAGGCCCCGCCATGCGGGCGACCTTCGAATGGCCCGCCGCAGCCTCCGGGC-3'
Protein context (NP_065796.2, residues 19-39): SPAWRGLSHR[Pro29Ser]LSSEPPAAKA